The following is an entry in ClinVar:

NM_014927.5(CNKSR2):c.257A>G (p.Lys86Arg)

Gene: CNKSR2 (connector enhancer of kinase suppressor of Ras 2; plus strand). Cytogenetic location: Xp22.12.
Variant type: single nucleotide variant.
Coding change: c.257A>G on transcript NM_014927.5 (MANE Select); coding-DNA position 257, A replaced by G.
Protein change: p.Lys86Arg; replaces lysine 86 with arginine.
Molecular consequence: missense variant.
Genome position (GRCh38, 1-based): chrX:21,432,640, A>G. VCF-style: chrX-21432640-A-G. GRCh37 (hg19) VCF-style: chrX-21450758-A-G.
Other names: c.257A>G, p.Lys86Arg (NM_001168647.3, NM_001168648.3, NM_001168649.3 and 4 more transcripts); short protein forms K86R.
Identifiers: ClinVar variation 4281708 (VCV004281708.1).

ClinVar aggregate classification (germline): Uncertain significance (1 of 4 stars; one submission).

Submission:

GeneDx
Classification: Uncertain significance. Last evaluated: 2025-04-04. Review status: criteria provided, single submitter. Criteria: GeneDx Variant Classification Process June 2021. Collection method: clinical testing. Allele origin: germline. Affected: yes.
Comment: Not observed at significant frequency in large population cohorts (gnomAD); In silico analysis indicates that this missense variant does not alter protein structure/function; Has not been previously published as pathogenic or benign to our knowledge